The following is an entry in ClinVar:

ClinVar aggregate classification (germline): Conflicting classifications of pathogenicity. Review status: criteria provided, conflicting classifications (1 of 4 stars). 2 submissions from 2 submitters: Uncertain significance (1); Likely benign (1). Last evaluated 2022-08-18.

Conditions:
Hereditary cancer-predisposing syndrome. Also called: Hereditary Cancer Syndrome; Hereditary neoplastic syndrome; Neoplastic Syndromes, Hereditary; Tumor predisposition. Identifiers: Orphanet 140162, MedGen C0027672, MeSH D009386, MONDO:0015356.
Ataxia-telangiectasia syndrome (AT). Also called: Ataxia-telangiectasia, complementation group E; LOUIS-BAR SYNDROME; Cerebello-oculocutaneous telangiectasia; Immunodeficiency with ataxia telangiectasia; Ataxia-telangiectasia, complementation group D; AT, COMPLEMENTATION GROUP C. Identifiers: Orphanet 100, MedGen C0004135, MONDO:0008840, OMIM 208900.

Allele frequency attached by ClinVar (database versions not stated): gnomAD exomes below 0.00001.
gnomAD v4.1: 1 of 1,609,492 alleles (0.000062%); highest among the groups gnomAD compares: African/African-American, 0.0013%; no homozygotes.

Submissions (2):

Labcorp Genetics (formerly Invitae), Labcorp
Classification: Likely benign for Ataxia-telangiectasia syndrome. Last evaluated: 2022-08-18. Review status: criteria provided, single submitter. Criteria: Invitae Variant Classification Sherloc (09022015). Collection method: clinical testing. Allele origin: germline.

Color Diagnostics, LLC DBA Color Health
Classification: Uncertain significance for Hereditary cancer-predisposing syndrome. Last evaluated: 2020-01-23. Review status: criteria provided, single submitter. Criteria: ACMG Guidelines, 2015. Collection method: clinical testing. Allele origin: germline.
Comment: This variant causes a T>A nucleotide substitution at the -9 position of intron 15 of the ATM gene. To our knowledge, functional studies have not been performed for this variant. This variant has not been reported in individuals affected with hereditary cancer in the literature. This variant has not been identified in the general population by the Genome Aggregation Database (gnomAD). The available evidence is insufficient to determine the role of this variant in disease conclusively. Therefore, this variant is classified as a Variant of Uncertain Significance.

NM_000051.4(ATM):c.2377-9T>A

Gene: ATM (ATM serine/threonine kinase; plus strand). Cytogenetic location: 11q22.3.
Variant type: single nucleotide variant.
Coding change: c.2377-9T>A on transcript NM_000051.4 (MANE Select); 9 bases into the intron before coding-DNA position 2377, T replaced by A.
Molecular consequence: intron variant.
Genome position (GRCh38, 1-based): chr11:108,258,977, T>A. VCF-style: chr11-108258977-T-A. GRCh37 (hg19) VCF-style: chr11-108129704-T-A.
Other names: c.2377-9T>A (NM_001351834.2).
Identifiers: ClinVar variation 923763 (VCV000923763.8), dbSNP rs2080691443, ClinGen allele CA1139662170.